The following is an entry in ClinVar:

ClinVar aggregate classification (germline): Likely benign (1 of 4 stars; one submission).

Submission:

GeneDx
Classification: Likely benign. Last evaluated: 2016-08-04. Review status: criteria provided, single submitter. Criteria: GeneDx Variant Classification (06012015). Collection method: clinical testing. Allele origin: germline. Affected: yes.
Comment: This variant is considered likely benign or benign based on one or more of the following criteria: it is a conservative change, it occurs at a poorly conserved position in the protein, it is predicted to be benign by multiple in silico algorithms, and/or has population frequency not consistent with disease.

NM_018127.7(ELAC2):c.-69_-46dup

Gene: ELAC2 (elaC ribonuclease Z 2; minus strand). Cytogenetic location: 17p12.
Variant type: Duplication.
Coding change: c.-69_-46dup on transcript NM_018127.7 (MANE Select); 69 bases upstream of the start codon through 46 bases upstream of the start codon, 24 bases duplicated (CTAGGTGGTGCACGGGAAACGCGG).
Molecular consequence: 5 prime UTR variant.
Genome position (GRCh38, 1-based): chr17:13,017,993-13,018,016, CCGCGTTTCCCGTGCACCACCTAG duplicated on the plus strand (CTAGGTGGTGCACGGGAAACGCGG on the coding strand, the reverse complement: ELAC2 is on the minus strand); duplicating any 24 consecutive bases within chr17:13,017,993-13,018,020 gives the same sequence; the c. name uses the placement nearest the transcript's 3' end. VCF-style (leftmost placement, unchanged base first): chr17-13017992-C-CCCGCGTTTCCCGTGCACCACCTAG. GRCh37 (hg19) VCF-style: chr17-12921309-C-CCCGCGTTTCCCGTGCACCACCTAG.
Other names: c.-69_-46dupCTAGGTGGTGCACGGGAAACGCGG (NM_018127.6); c.-69_-46dup (NM_001165962.2, NM_173717.2).
Identifiers: ClinVar variation 421733 (VCV000421733.1), dbSNP rs1064795330, ClinGen allele CA16620333.